The following is an entry in ClinVar:

NM_024741.3(ZNF408):c.328G>T (p.Glu110Ter)

Gene: ZNF408 (zinc finger protein 408; plus strand). Cytogenetic location: 11p11.2.
Variant type: single nucleotide variant.
Coding change: c.328G>T on transcript NM_024741.3 (MANE Select); coding-DNA position 328, G replaced by T.
Protein change: p.Glu110Ter; replaces glutamic acid 110 with a stop codon.
Molecular consequence: nonsense.
Genome position (GRCh38, 1-based): chr11:46,701,674, G>T. VCF-style: chr11-46701674-G-T. GRCh37 (hg19) VCF-style: chr11-46723224-G-T.
Other names: c.304G>T, p.Glu102Ter (NM_001184751.2); short protein forms E110*, E102*.
Identifiers: ClinVar variation 1490436 (VCV001490436.6), dbSNP rs2064708612, ClinGen allele CA380251995.
Genomic context (GRCh38, chr11:46,701,674, plus strand): 5'-CCGCTGGAAGAGGAGTCTGCCTCCAAGGAGAAGGGCGAGGGAGTAAAGCCACGGCAGGAG[G>T]AGGTATTGAAGGATAGAGCGACTTCCCTCCGCCCTTGAAAATGTAGGGGAGGTTTGGACA-3'

ClinVar aggregate classification (germline): Uncertain significance (1 of 4 stars; one submission).

Submission:

Labcorp Genetics (formerly Invitae), Labcorp
Classification: Uncertain significance. Last evaluated: 2021-09-15. Review status: criteria provided, single submitter. Criteria: Invitae Variant Classification Sherloc (09022015). Collection method: clinical testing. Allele origin: germline.
Comment: Algorithms developed to predict the effect of sequence changes on RNA splicing suggest that this variant may create or strengthen a splice site. This premature translational stop signal has been observed in individual(s) with clinical features of exudative vitreoretinopathy (Invitae). This variant is not present in population databases (ExAC no frequency). This sequence change creates a premature translational stop signal (p.Glu110*) in the ZNF408 gene. It is expected to result in an absent or disrupted protein product. However, the current clinical and genetic evidence is not sufficient to establish whether loss-of-function variants in ZNF408 cause disease. In summary, the available evidence is currently insufficient to determine the role of this variant in disease. Therefore, it has been classified as a Variant of Uncertain Significance.